The following is an entry in ClinVar:

NM_017757.3(ZNF407):c.4939A>G (p.Met1647Val)

Gene: ZNF407 (zinc finger protein 407; plus strand). Cytogenetic location: 18q22.3.
Variant type: single nucleotide variant.
Coding change: c.4939A>G on transcript NM_017757.3 (MANE Select); coding-DNA position 4939, A replaced by G.
Protein change: p.Met1647Val; replaces methionine 1647 with valine.
Molecular consequence: missense variant.
Genome position (GRCh38, 1-based): chr18:74,877,258, A>G. VCF-style: chr18-74877258-A-G. GRCh37 (hg19) VCF-style: chr18-72589214-A-G.
Other names: c.4939A>G, p.Met1647Val (NM_001146189.1, NM_001384475.1); short protein forms M1647V.
Identifiers: ClinVar variation 130824 (VCV000130824.10), dbSNP rs200073088, ClinGen allele CA231675.
Genomic context (GRCh38, chr18:74,877,258, plus strand): 5'-AAATTTACATGCCACTTATGTGATAGAAGTTTCACAGAGAAGTGGGCCCTGAACAACCAC[A>G]TGAAACTCCACACGGGAGAAAAGCCGTTTAAATGTACCTGGCCCACGTGCCATTACTCAT-3'
Protein context (NP_060227.2, residues 1637-1657): FTEKWALNNH[Met1647Val]KLHTGEKPFK

ClinVar aggregate classification (germline): Uncertain significance. Review status: criteria provided, multiple submitters, no conflicts (2 of 4 stars). 4 submissions from 4 submitters: Uncertain significance (4). Last evaluated 2024-10-20.

Allele frequency attached by ClinVar (database versions not stated): gnomAD exomes 0.00004 and 0.00008; ExAC 0.00008; 1000 Genomes Project 0.00020; ESP Exome Variant Server 0.00025; gnomAD 0.00044 and 0.00048; 1000 Genomes Project 30x 0.00047; TOPMed 0.00049.

Submissions (4):

Ambry Genetics
Classification: Uncertain significance. Last evaluated: 2024-10-20. Review status: criteria provided, single submitter. Criteria: Ambry Variant Classification Scheme 2023. Collection method: clinical testing. Allele origin: germline.

GeneDx
Classification: Uncertain significance. Last evaluated: 2024-01-14. Review status: criteria provided, single submitter. Criteria: GeneDx Variant Classification Process June 2021. Collection method: clinical testing. Allele origin: germline. Affected: yes.
Comment: In silico analysis supports that this missense variant does not alter protein structure/function; Has not been previously published as pathogenic or benign to our knowledge

Genetic Services Laboratory, University of Chicago
Classification: Uncertain significance. Last evaluated: 2014-03-21. Review status: criteria provided, single submitter. Criteria: ACMG Guidelines, 2007. Collection method: clinical testing. Allele origin: germline. Inheritance: Autosomal dominant inheritance.

Breakthrough Genomics
Classification: Uncertain significance. Review status: criteria provided, single submitter. Criteria: ACMG Guidelines, 2015. Collection method: not provided. Allele origin: germline. Inheritance: Autosomal recessive inheritance. Affected: yes.